The following is an entry in ClinVar:

NM_001277115.2(DNAH11):c.11087G>A (p.Arg3696Lys)

Gene: DNAH11 (dynein axonemal heavy chain 11; plus strand). Cytogenetic location: 7p15.3.
Variant type: single nucleotide variant.
Coding change: c.11087G>A on transcript NM_001277115.2 (MANE Select); coding-DNA position 11087, G replaced by A.
Protein change: p.Arg3696Lys; replaces arginine 3696 with lysine.
Molecular consequence: missense variant.
Genome position (GRCh38, 1-based): chr7:21,854,340, G>A. VCF-style: chr7-21854340-G-A. GRCh37 (hg19) VCF-style: chr7-21893958-G-A.
Other names: p.Arg3696Lys; short protein forms R3696K.
Identifiers: ClinVar variation 956930 (VCV000956930.17), dbSNP rs1262229619, ClinGen allele CA366959809.

ClinVar aggregate classification (germline): Conflicting classifications of pathogenicity. Review status: criteria provided, conflicting classifications (1 of 4 stars). 6 submissions from 6 submitters: Uncertain significance (4); Likely benign (2). Last evaluated 2024-06-17.

Conditions:
Primary ciliary dyskinesia. Also called: Ciliary dyskinesia. Identifiers: Orphanet 244, MedGen C0008780, MONDO:0016575, HP:0012265.
Primary ciliary dyskinesia 7. Also called: CILIARY DYSKINESIA, PRIMARY, 7, WITH OR WITHOUT SITUS INVERSUS. Identifiers: Orphanet 244, MedGen C2678473, MONDO:0012748, OMIM 611884.

Allele frequency attached by ClinVar (database versions not stated): gnomAD 0.00001; gnomAD exomes 0.00001; TOPMed 0.00001.
gnomAD v4.1: 18 of 1,613,464 alleles (0.0011%); highest among the groups gnomAD compares: Non-Finnish European, 0.0015%; no homozygotes.

Submissions (6):

Mayo Clinic Laboratories, Mayo Clinic
Classification: Uncertain significance. Last evaluated: 2024-06-17. Review status: criteria provided, single submitter. Criteria: ACMG Guidelines, 2015. Collection method: clinical testing. Allele origin: germline. Observed: 1 variant allele.
Comment: BP4

Labcorp Genetics (formerly Invitae), Labcorp
Classification: Likely benign for Primary ciliary dyskinesia. Last evaluated: 2024-01-04. Review status: criteria provided, single submitter. Criteria: Invitae Variant Classification Sherloc (09022015). Collection method: clinical testing. Allele origin: germline.

Blueprint Genetics
Classification: Likely benign. Last evaluated: 2022-08-02. Review status: criteria provided, single submitter. Criteria: ACMG Guidelines, 2015. Collection method: clinical testing. Allele origin: germline.

Fulgent Genetics
Classification: Uncertain significance for Primary ciliary dyskinesia 7. Last evaluated: 2022-02-24. Review status: criteria provided, single submitter. Criteria: ACMG Guidelines, 2015. Collection method: clinical testing. Allele origin: unknown.

Johns Hopkins Genomics, Johns Hopkins University
Classification: Uncertain significance for Primary ciliary dyskinesia 7. Last evaluated: 2022-02-17. Review status: criteria provided, single submitter. Criteria: ACMG Guidelines, 2015. Collection method: clinical testing. Allele origin: germline.
Comment: This DNAH11 variant (rs1262229619) is rare (<0.1%) in a large population dataset (gnomAD: 2/248528 total alleles; 0.0008047%; no homozygotes). It has an entry in ClinVar (Variation ID: 956930) , but has not been reported in the literature, to our knowledge. Of two bioinformatics tools queried, both predict that the substitution would be tolerated and the arginine residue at this position is not highly evolutionarily conserved across the species assessed. We consider the clinical significance of DNAH11 c.11087G>A to be uncertain at this time.

GeneDx
Classification: Uncertain significance. Last evaluated: 2021-01-14. Review status: criteria provided, single submitter. Criteria: GeneDx Variant Classification Process June 2021. Collection method: clinical testing. Allele origin: germline. Affected: yes.
Comment: Not observed at a significant frequency in large population cohorts (Lek et al., 2016); In silico analysis supports that this missense variant does not alter protein structure/function; Has not been previously published as pathogenic or benign to our knowledge

Literature cited by the submitters: PubMed 22184204 (cited by Johns Hopkins Genomics, Johns Hopkins University).